The following is an entry in ClinVar:

NM_025207.5(FLAD1):c.916C>T (p.Arg306Cys)

Gene: FLAD1 (flavin adenine dinucleotide synthetase 1; plus strand). Cytogenetic location: 1q21.3.
Variant type: single nucleotide variant.
Coding change: c.916C>T on transcript NM_025207.5 (MANE Select); coding-DNA position 916, C replaced by T.
Protein change: p.Arg306Cys; replaces arginine 306 with cysteine.
Molecular consequence: missense variant.
Genome position (GRCh38, 1-based): chr1:154,988,648, C>T. VCF-style: chr1-154988648-C-T. GRCh37 (hg19) VCF-style: chr1-154961124-C-T.
Other names: c.625C>T, p.Arg209Cys (NM_001184891.2, NM_201398.3); c.619C>T, p.Arg207Cys (NM_001184892.2); c.916C>T (NM_025207.4); short protein forms R207C, R209C, R306C.
Identifiers: ClinVar variation 1925443 (VCV001925443.3), dbSNP rs536190403, ClinGen allele CA1134428.

ClinVar aggregate classification (germline): Uncertain significance. Review status: criteria provided, multiple submitters, no conflicts (2 of 4 stars). 2 submissions from 2 submitters: Uncertain significance (2). Last evaluated 2024-06-28.

Conditions:
Inborn genetic diseases. Identifiers: MedGen C0950123, MeSH D030342.

Allele frequency attached by ClinVar (database versions not stated): ExAC 0.00002; gnomAD 0.00003; TOPMed 0.00003.

Submissions (2):

Ambry Genetics
Classification: Uncertain significance for Inborn genetic diseases. Last evaluated: 2024-06-28. Review status: criteria provided, single submitter. Criteria: Ambry Variant Classification Scheme 2023. Collection method: clinical testing. Allele origin: germline.

Labcorp Genetics (formerly Invitae), Labcorp
Classification: Uncertain significance. Last evaluated: 2022-07-12. Review status: criteria provided, single submitter. Criteria: Invitae Variant Classification Sherloc (09022015). Collection method: clinical testing. Allele origin: germline.
Comment: This sequence change replaces arginine, which is basic and polar, with cysteine, which is neutral and slightly polar, at codon 306 of the FLAD1 protein (p.Arg306Cys). This variant is present in population databases (rs536190403, gnomAD 0.03%). This variant has not been reported in the literature in individuals affected with FLAD1-related conditions. Algorithms developed to predict the effect of missense changes on protein structure and function are either unavailable or do not agree on the potential impact of this missense change (SIFT: "Deleterious"; PolyPhen-2: "Benign"; Align-GVGD: "Class C0"). In summary, the available evidence is currently insufficient to determine the role of this variant in disease. Therefore, it has been classified as a Variant of Uncertain Significance.